The following is an entry in ClinVar:

ClinVar aggregate classification (germline): Uncertain significance (1 of 4 stars; one submission).

Submission:

Labcorp Genetics (formerly Invitae), Labcorp
Classification: Uncertain significance. Last evaluated: 2025-03-10. Review status: criteria provided, single submitter. Criteria: Invitae Variant Classification Sherloc (09022015). Collection method: clinical testing. Allele origin: germline.
Comment: This sequence change replaces histidine, which is basic and polar, with glutamine, which is neutral and polar, at codon 2331 of the HMCN1 protein (p.His2331Gln). This variant is not present in population databases (gnomAD no frequency). This variant has not been reported in the literature in individuals affected with HMCN1-related conditions. ClinVar contains an entry for this variant (Variation ID: 2991757). An algorithm developed to predict the effect of missense changes on protein structure and function (PolyPhen-2) suggests that this variant is likely to be tolerated. In summary, the available evidence is currently insufficient to determine the role of this variant in disease. Therefore, it has been classified as a Variant of Uncertain Significance.

NM_031935.3(HMCN1):c.6993C>A (p.His2331Gln)

Gene: HMCN1 (hemicentin 1; plus strand). Cytogenetic location: 1q31.1.
Variant type: single nucleotide variant.
Coding change: c.6993C>A on transcript NM_031935.3 (MANE Select); coding-DNA position 6993, C replaced by A.
Protein change: p.His2331Gln; replaces histidine 2331 with glutamine.
Molecular consequence: missense variant.
Genome position (GRCh38, 1-based): chr1:186,055,523, C>A. VCF-style: chr1-186055523-C-A. GRCh37 (hg19) VCF-style: chr1-186024655-C-A.
Other names: short protein forms H2331Q.
Identifiers: ClinVar variation 2991757 (VCV002991757.3), dbSNP rs2527721666, ClinGen allele CA343902052.